The following is an entry in ClinVar:

NM_024596.5(MCPH1):c.1040C>A (p.Ser347Ter)

Gene: MCPH1 (microcephalin 1; plus strand). Cytogenetic location: 8p23.1.
Variant type: single nucleotide variant.
Coding change: c.1040C>A on transcript NM_024596.5 (MANE Select); coding-DNA position 1040, C replaced by A.
Protein change: p.Ser347Ter; replaces serine 347 with a stop codon.
Molecular consequence: nonsense. On other transcripts: non-coding transcript variant (1).
Genome position (GRCh38, 1-based): chr8:6,444,762, C>A. VCF-style: chr8-6444762-C-A. GRCh37 (hg19) VCF-style: chr8-6302283-C-A.
Other names: c.1040C>A, p.Ser347Ter (NM_001172574.2, NM_001322042.2, NM_001363979.1 and 1 more transcripts); c.896C>A, p.Ser299Ter (NM_001172575.2); c.1034C>A, p.Ser345Ter (NM_001322043.2); c.938C>A, p.Ser313Ter (NM_001322045.2); short protein forms S299*, S313*, S345*, S347*.
Identifiers: ClinVar variation 1071403 (VCV001071403.7), dbSNP rs1804028189, ClinGen allele CA370220596.

ClinVar aggregate classification (germline): Pathogenic (1 of 4 stars; one submission).

Allele frequency attached by ClinVar (database versions not stated): TOPMed below 0.00001.
gnomAD v4.1: 1 of 1,614,066 alleles (0.000062%); highest among the groups gnomAD compares: Middle Eastern, 0.016%; no homozygotes.

Submission:

Labcorp Genetics (formerly Invitae), Labcorp
Classification: Pathogenic. Last evaluated: 2017-11-27. Review status: criteria provided, single submitter. Criteria: Invitae Variant Classification Sherloc (09022015). Collection method: clinical testing. Allele origin: germline.
Comment: This variant has not been reported in the literature in individuals with MCPH1-related disease. For these reasons, this variant has been classified as Pathogenic. Loss-of-function variants in MCPH1 are known to be pathogenic (PMID: 20978018). This variant is not present in population databases (ExAC no frequency). This sequence change creates a premature translational stop signal (p.Ser347*) in the MCPH1 gene. It is expected to result in an absent or disrupted protein product.

Literature cited by the submitters: PubMed 20978018.